The following is an entry in ClinVar:

ClinVar aggregate classification (germline): Uncertain significance. Review status: criteria provided, multiple submitters, no conflicts (2 of 4 stars). 2 submissions from 2 submitters: Uncertain significance (2). Last evaluated 2022-06-04.

Conditions:
Inborn genetic diseases. Identifiers: MedGen C0950123, MeSH D030342.
Facioscapulohumeral muscular dystrophy 2 (FSHD2). Also called: MUSCULAR DYSTROPHY, FACIOSCAPULOHUMERAL, TYPE 1B; FACIOSCAPULOHUMERAL MUSCULAR DYSTROPHY 2, DIGENIC; FSHD2, DIGENIC. Identifiers: Orphanet 269, MedGen C1834671, MONDO:0008031, OMIM 158901.

Allele frequency attached by ClinVar (database versions not stated): TOPMed below 0.00001; ExAC 0.00001; 1000 Genomes Project 30x 0.00016; 1000 Genomes Project 0.00020.
gnomAD v4.1: 7 of 1,598,938 alleles (0.00044%); highest among the groups gnomAD compares: African/African-American, 0.0054%; no homozygotes.

Submissions (2):

Labcorp Genetics (formerly Invitae), Labcorp
Classification: Uncertain significance for Facioscapulohumeral muscular dystrophy 2. Last evaluated: 2022-06-04. Review status: criteria provided, single submitter. Criteria: Invitae Variant Classification Sherloc (09022015). Collection method: clinical testing. Allele origin: germline.
Comment: This sequence change replaces asparagine, which is neutral and polar, with lysine, which is basic and polar, at codon 1652 of the SMCHD1 protein (p.Asn1652Lys). This variant is present in population databases (rs202031400, gnomAD 0.007%). This variant has not been reported in the literature in individuals affected with SMCHD1-related conditions. Algorithms developed to predict the effect of missense changes on protein structure and function (SIFT, PolyPhen-2, Align-GVGD) all suggest that this variant is likely to be tolerated. In summary, the available evidence is currently insufficient to determine the role of this variant in disease. Therefore, it has been classified as a Variant of Uncertain Significance.

Ambry Genetics
Classification: Uncertain significance for Inborn genetic diseases. Last evaluated: 2021-09-01. Review status: criteria provided, single submitter. Criteria: Ambry Variant Classification Scheme 2023. Collection method: clinical testing. Allele origin: germline.

NM_015295.3(SMCHD1):c.4956T>G (p.Asn1652Lys)

Gene: SMCHD1 (structural maintenance of chromosomes flexible hinge domain containing 1; plus strand). Cytogenetic location: 18p11.32.
Variant type: single nucleotide variant.
Coding change: c.4956T>G on transcript NM_015295.3 (MANE Select); coding-DNA position 4956, T replaced by G.
Protein change: p.Asn1652Lys; replaces asparagine 1652 with lysine.
Molecular consequence: missense variant.
Genome position (GRCh38, 1-based): chr18:2,770,098, T>G. VCF-style: chr18-2770098-T-G. GRCh37 (hg19) VCF-style: chr18-2770096-T-G.
Other names: c.4956T>G (NM_015295.2); short protein forms N1652K.
Identifiers: ClinVar variation 2176251 (VCV002176251.5), dbSNP rs202031400, ClinGen allele CA8871612.